The following is an entry in ClinVar:

ClinVar aggregate classification (germline): Uncertain significance (1 of 4 stars; one submission).

Submission:

GeneDx
Classification: Uncertain significance. Last evaluated: 2023-11-25. Review status: criteria provided, single submitter. Criteria: GeneDx Variant Classification Process June 2021. Collection method: clinical testing. Allele origin: germline.
Comment: Not observed at significant frequency in large population cohorts (gnomAD); In silico analysis supports that this missense variant does not alter protein structure/function; Has not been previously published as pathogenic or benign to our knowledge

NM_181552.4(CUX1):c.4423C>G (p.Pro1475Ala)

Gene: CUX1 (cut like homeobox 1; plus strand). Cytogenetic location: 7q22.1.
Variant type: single nucleotide variant.
Coding change: c.4423C>G on transcript NM_181552.4 (MANE Select); coding-DNA position 4423, C replaced by G.
Protein change: p.Pro1475Ala; replaces proline 1475 with alanine.
Molecular consequence: missense variant. On other transcripts: intron variant (5).
Genome position (GRCh38, 1-based): chr7:102,248,947, C>G. VCF-style: chr7-102248947-C-G. GRCh37 (hg19) VCF-style: chr7-101892227-C-G.
Other names: c.4456C>G, p.Pro1486Ala (NM_001202543.2); c.1256-24419C>G (NM_001913.5); c.1250-24419C>G (NM_181500.4); c.1118-24419C>G (NM_001202545.3); c.1208-24419C>G (NM_001202544.3); c.1139-24419C>G (NM_001202546.3); short protein forms P1475A, P1486A.
Identifiers: ClinVar variation 2504894 (VCV002504894.2), dbSNP rs1554538434, ClinGen allele CA368670066.